The following is an entry in ClinVar:

ClinVar aggregate classification (germline): Uncertain significance. Review status: criteria provided, multiple submitters, no conflicts (2 of 4 stars). 3 submissions from 3 submitters: Uncertain significance (3). Last evaluated 2024-03-21.

Conditions:
Pigmentary pallidal degeneration (NBIA1). Also called: HARP SYNDROME; Neuroaxonal dystrophy, late infantile; Hallervorden-Spatz disease; Pantothenate Kinase-Associated Neurodegeneration; Neurodegeneration with brain iron accumulation 1; PKAN NEUROAXONAL DYSTROPHY, JUVENILE-ONSET. Identifiers: Orphanet 157850, MedGen C0018523, MONDO:0009319, OMIM 234200.
Inborn genetic diseases. Identifiers: MedGen C0950123, MeSH D030342.

gnomAD v4.1: 56 of 1,552,754 alleles (0.0036%); highest among the groups gnomAD compares: Middle Eastern, 0.017%; no homozygotes.

Submissions (3):

Blueprint Genetics
Classification: Uncertain significance. Last evaluated: 2024-03-21. Review status: criteria provided, single submitter. Criteria: ACMG Guidelines, 2015. Collection method: clinical testing. Allele origin: germline.

Labcorp Genetics (formerly Invitae), Labcorp
Classification: Uncertain significance for Pigmentary pallidal degeneration. Last evaluated: 2021-12-02. Review status: criteria provided, single submitter. Criteria: Invitae Variant Classification Sherloc (09022015). Collection method: clinical testing. Allele origin: germline.
Comment: This sequence change replaces glycine, which is neutral and non-polar, with alanine, which is neutral and non-polar, at codon 116 of the PANK2 protein (p.Gly116Ala). This variant is present in population databases (rs767712182, gnomAD 0.009%). This variant has not been reported in the literature in individuals affected with PANK2-related conditions. Algorithms developed to predict the effect of missense changes on protein structure and function are either unavailable or do not agree on the potential impact of this missense change (SIFT: "Deleterious"; PolyPhen-2: "Probably Damaging"; Align-GVGD: "Class C0"). In summary, the available evidence is currently insufficient to determine the role of this variant in disease. Therefore, it has been classified as a Variant of Uncertain Significance.

Ambry Genetics
Classification: Uncertain significance for Inborn genetic diseases. Last evaluated: 2021-09-17. Review status: criteria provided, single submitter. Criteria: Ambry Variant Classification Scheme 2023. Collection method: clinical testing. Allele origin: germline.

NM_001386393.1(PANK2):c.17G>C (p.Gly6Ala)

Genes: PANK2 (pantothenate kinase 2; plus strand), LOC130065345 (ATAC-STARR-seq lymphoblastoid silent region 12635; plus strand). Cytogenetic location: 20p13.
Variant type: single nucleotide variant.
Coding change: c.17G>C on transcript NM_001386393.1 (MANE Select); coding-DNA position 17, G replaced by C.
Protein change: p.Gly6Ala; replaces glycine 6 with alanine.
Molecular consequence: missense variant. On other transcripts: 5 prime UTR variant (1), non-coding transcript variant (1), intron variant (1).
Genome position (GRCh38, 1-based): chr20:3,889,447, G>C. VCF-style: chr20-3889447-G-C. GRCh37 (hg19) VCF-style: chr20-3870094-G-C.
Other names: c.347G>C (NM_153638.2); c.-695G>C (NM_001324191.2); c.347G>C, p.Gly116Ala (NM_001324192.1, NM_153638.4); c.-246+543G>C (NM_024960.6); short protein forms G6A, G116A.
Identifiers: ClinVar variation 1354888 (VCV001354888.7), dbSNP rs767712182, ClinGen allele CA9750554.
Genomic context (GRCh38, chr20:3,889,447, plus strand): 5'-GCTCTGGCTGGACTGCCGCGGAGGAGGCGAGAAGGAATCCGACGCTGGGGGGCTTGCTCG[G>C]GCGGCAGCGACTGCTGCTGCGGATGGGAGGGGGCCGGCTCGGCGCGCCCATGGAGCGCCA-3'
Protein context (NP_001373322.1, residues 1-16): MGGLL[Gly6Ala]RQRLLLRMGG